The following is an entry in ClinVar:

ClinVar aggregate classification (germline): Conflicting classifications of pathogenicity. Review status: criteria provided, conflicting classifications (1 of 4 stars). 4 submissions from 4 submitters: Uncertain significance (2); Likely benign (2). Last evaluated 2024-11-25.

Conditions:
Inborn genetic diseases. Identifiers: MedGen C0950123, MeSH D030342.

Allele frequency attached by ClinVar (database versions not stated): TOPMed 0.00001; ExAC 0.00002; gnomAD exomes 0.00002.
gnomAD v4.1: 35 of 1,608,084 alleles (0.0022%); highest among the groups gnomAD compares: Middle Eastern, 0.022%; no homozygotes.

Submissions (4):

Blueprint Genetics
Classification: Likely benign. Last evaluated: 2024-11-25. Review status: criteria provided, single submitter. Criteria: ACMG Guidelines, 2015. Collection method: clinical testing. Allele origin: germline.

Labcorp Genetics (formerly Invitae), Labcorp
Classification: Uncertain significance. Last evaluated: 2024-05-24. Review status: criteria provided, single submitter. Criteria: Invitae Variant Classification Sherloc (09022015). Collection method: clinical testing. Allele origin: germline.
Comment: This sequence change falls in intron 9 of the INSR gene. It does not directly change the encoded amino acid sequence of the INSR protein. It affects a nucleotide within the consensus splice site. This variant is present in population databases (rs766758560, gnomAD 0.003%). This variant has not been reported in the literature in individuals affected with INSR-related conditions. ClinVar contains an entry for this variant (Variation ID: 808430). Variants that disrupt the consensus splice site are a relatively common cause of aberrant splicing (PMID: 17576681, 9536098). Algorithms developed to predict the effect of sequence changes on RNA splicing suggest that this variant is not likely to affect RNA splicing. In summary, the available evidence is currently insufficient to determine the role of this variant in disease. Therefore, it has been classified as a Variant of Uncertain Significance.

Ambry Genetics
Classification: Uncertain significance for Inborn genetic diseases. Last evaluated: 2021-06-04. Review status: criteria provided, single submitter. Criteria: Ambry Variant Classification Scheme 2023. Collection method: clinical testing. Allele origin: germline.
Comment: The c.2030-3C>T intronic alteration consists of a C to T substitution 3 nucleotides before coding exon 10 in the INSR gene. Based on insufficient or conflicting evidence, the clinical significance of this alteration remains unclear.

CeGaT Center for Human Genetics Tuebingen
Classification: Likely benign. Last evaluated: 2019-04-01. Review status: criteria provided, single submitter. Criteria: CeGaT Center For Human Genetics Tuebingen Variant Classification Criteria Version 2. Collection method: clinical testing. Allele origin: germline. Affected: yes. Observed: 2 variant alleles.

Literature cited by the submitters: PubMed 17576681 (cited by Labcorp Genetics (formerly Invitae), Labcorp); PubMed 9536098 (cited by Labcorp Genetics (formerly Invitae), Labcorp).

NM_000208.4(INSR):c.2030-3C>T

Gene: INSR (insulin receptor; minus strand). Cytogenetic location: 19p13.2.
Variant type: single nucleotide variant.
Coding change: c.2030-3C>T on transcript NM_000208.4 (MANE Select); 3 bases into the intron before coding-DNA position 2030, C replaced by T.
Molecular consequence: intron variant.
Genome position (GRCh38, 1-based): chr19:7,152,930, G>A on the plus strand (C>T on the coding strand, the complement: INSR is on the minus strand). VCF-style: chr19-7152930-G-A. GRCh37 (hg19) VCF-style: chr19-7152941-G-A.
Other names: c.2030-3C>T (NM_001079817.3, NM_000208.2).
Identifiers: ClinVar variation 808430 (VCV000808430.47), dbSNP rs766758560, ClinGen allele CA9135679.